The following is an entry in ClinVar:

ClinVar aggregate classification (germline): Pathogenic/Likely pathogenic. Review status: criteria provided, multiple submitters, no conflicts (2 of 4 stars). 5 submissions from 5 submitters: Pathogenic (4); Likely pathogenic (1). Last evaluated 2026-04-07.

Conditions:
IMPG2-related disorder. Also called: IMPG2-related condition.
IMPG2-related disorders.

Allele frequency attached by ClinVar (database versions not stated): ExAC 0.00001; gnomAD 0.00001; gnomAD exomes 0.00001 and 0.00003; TOPMed 0.00001.
gnomAD v4.1: 38 of 1,561,014 alleles (0.0024%); highest among the groups gnomAD compares: Non-Finnish European, 0.0032%; no homozygotes.

Submissions (5):

PreventionGenetics, part of Exact Sciences
Classification: Pathogenic for IMPG2-related condition. Last evaluated: 2026-04-07. Review status: criteria provided, single submitter. Criteria: ACMG Guidelines, 2015. Collection method: clinical testing. Allele origin: germline.
Comment: The IMPG2 c.829-1G>T variant is predicted to disrupt the AG splice acceptor site and interfere with normal splicing. This variant has been reported in the homozygous state in an individual with retinitis pigmentosa (Zhao et al. 2015. PubMed ID: 25472526). This variant is present in 0.0018% of alleles in individuals of European (Non-Finnish) descent in gnomAD. Variants that disrupt the consensus splice acceptor site in IMPG2 are an established mechanism of disease. This variant is interpreted as pathogenic.

Labcorp Genetics (formerly Invitae), Labcorp
Classification: Likely pathogenic. Last evaluated: 2025-11-13. Review status: criteria provided, single submitter. Criteria: Invitae Variant Classification Sherloc (09022015). Collection method: clinical testing. Allele origin: germline.
Comment: This sequence change affects an acceptor splice site in intron 7 of the IMPG2 gene. It is expected to disrupt RNA splicing. Variants that disrupt the donor or acceptor splice site typically lead to a loss of protein function (PMID: 16199547), and loss-of-function variants in IMPG2 are known to be pathogenic (PMID: 20673862). This variant is present in population databases (rs776740276, gnomAD 0.0009%). Disruption of this splice site has been observed in individual(s) with retinitis pigmentosa (PMID: 25472526). ClinVar contains an entry for this variant (Variation ID: 286964). Algorithms developed to predict the effect of sequence changes on RNA splicing suggest that this variant may disrupt the consensus splice site. In summary, the currently available evidence indicates that the variant is pathogenic, but additional data are needed to prove that conclusively. Therefore, this variant has been classified as Likely Pathogenic.

Blueprint Genetics
Classification: Pathogenic for IMPG2-related disorders. Last evaluated: 2024-02-09. Review status: criteria provided, single submitter. Criteria: ACMG Guidelines, 2015. Collection method: clinical testing. Allele origin: germline. Affected: yes. Observed: 5 variant alleles.

GeneDx
Classification: Pathogenic. Last evaluated: 2023-08-21. Review status: criteria provided, single submitter. Criteria: GeneDx Variant Classification Process June 2021. Collection method: clinical testing. Allele origin: germline. Affected: yes.
Comment: Canonical splice site variant predicted to result in a null allele in a gene for which loss of function is a known mechanism of disease; Not observed at significant frequency in large population cohorts (gnomAD); This variant is associated with the following publications: (PMID: 25472526, 31964843)

Eurofins Ntd Llc (ga)
Classification: Pathogenic. Last evaluated: 2016-04-05. Review status: criteria provided, single submitter. Criteria: EGL Classification Definitions 2015. Collection method: clinical testing. Allele origin: germline. Observed: 1 variant allele, 1 heterozygote.

Literature cited by the submitters: PubMed 16199547 (cited by Labcorp Genetics (formerly Invitae), Labcorp); PubMed 20673862 (cited by Labcorp Genetics (formerly Invitae), Labcorp); PubMed 25472526 (cited by Labcorp Genetics (formerly Invitae), Labcorp).

NM_016247.4(IMPG2):c.829-1G>T

Gene: IMPG2 (interphotoreceptor matrix proteoglycan 2; minus strand). Cytogenetic location: 3q12.3.
Variant type: single nucleotide variant.
Coding change: c.829-1G>T on transcript NM_016247.4 (MANE Select); the canonical splice acceptor site of the intron before coding-DNA position 829, G replaced by T.
Molecular consequence: splice acceptor variant.
Genome position (GRCh38, 1-based): chr3:101,269,574, C>A on the plus strand (G>T on the coding strand, the complement: IMPG2 is on the minus strand). VCF-style: chr3-101269574-C-A. GRCh37 (hg19) VCF-style: chr3-100988418-C-A.
Identifiers: ClinVar variation 286964 (VCV000286964.18), dbSNP rs776740276, ClinGen allele CA2519355.